The following is an entry in ClinVar:

NM_012330.4(KAT6B):c.4879G>A (p.Ala1627Thr)

Gene: KAT6B (lysine acetyltransferase 6B; plus strand). Cytogenetic location: 10q22.2.
Variant type: single nucleotide variant.
Coding change: c.4879G>A on transcript NM_012330.4 (MANE Select); coding-DNA position 4879, G replaced by A.
Protein change: p.Ala1627Thr; replaces alanine 1627 with threonine.
Molecular consequence: missense variant.
Genome position (GRCh38, 1-based): chr10:75,029,703, G>A. VCF-style: chr10-75029703-G-A. GRCh37 (hg19) VCF-style: chr10-76789461-G-A.
Other names: c.4330G>A, p.Ala1444Thr (NM_001256468.2, NM_001370138.1); c.4003G>A, p.Ala1335Thr (NM_001256469.2, NM_001370139.1, NM_001370140.1 and 2 more transcripts); c.3841G>A, p.Ala1281Thr (NM_001370132.1); c.3190G>A, p.Ala1064Thr (NM_001370133.1); c.2794G>A, p.Ala932Thr (NM_001370134.1); c.2536G>A, p.Ala846Thr (NM_001370135.1); c.4879G>A, p.Ala1627Thr (NM_001370136.1, NM_001370137.1); c.3814G>A, p.Ala1272Thr (NM_001370143.1, NM_001370144.1); short protein forms A1627T, A1281T, A1444T, A1064T, A932T, A1272T, A1335T, A846T.
Identifiers: ClinVar variation 561748 (VCV000561748.7), dbSNP rs199792793, ClinGen allele CA5565117.
Genomic context (GRCh38, chr10:75,029,703, plus strand): 5'-CCTGGCCAGTCCGTACGTTCTGTCAACAGCCCAAGTGTCCCTGCTCTGGAAAACAGCTAC[G>A]CCCAAATCAGCCCAGATCAAAGTGCCATCTCAGTGCCATCTCTGCAGAACATGGAAACCA-3'
Protein context (NP_036462.2, residues 1617-1637): PSVPALENSY[Ala1627Thr]QISPDQSAIS

ClinVar aggregate classification (germline): Uncertain significance. Review status: criteria provided, multiple submitters, no conflicts (2 of 4 stars). 5 submissions from 5 submitters: Uncertain significance (5). Last evaluated 2026-04-02.

Conditions:
Genitopatellar syndrome (GTPTS). Also called: Genitopatellar syndrome (GPS); ABSENT PATELLAE, SCROTAL HYPOPLASIA, RENAL ANOMALIES, FACIAL DYSMORPHISM, AND MENTAL RETARDATION. Identifiers: Orphanet 85201, MedGen C1853566, MONDO:0011640, OMIM 606170.
Blepharophimosis - intellectual disability syndrome, SBBYS type (SBBYSS). Also called: Say-Barber-Biesecker variant of Ohdo syndrome (SBBYSS); Say-Barber-Biesecker-Young-Simpson syndrome; Say-Barber-Biesecker-Young-Simpson variant of Ohdo Syndrome; Young Simpson syndrome; Mental retardation unusual facies hypothyroidism; Say-Barber-Biesecker Variant of Ohdo Syndrome. Identifiers: Orphanet 3047, MedGen C1863557, MONDO:0011365, OMIM 603736.

Allele frequency attached by ClinVar (database versions not stated): 1000 Genomes Project 0.00020; TOPMed 0.00001; gnomAD exomes 0.00002; ExAC 0.00001; gnomAD 0.00003; 1000 Genomes Project 30x 0.00031.
gnomAD v4.1: 24 of 1,614,030 alleles (0.0015%); highest among the groups gnomAD compares: Admixed American, 0.012%; no homozygotes.

Submissions (5):

Dasa
Classification: Uncertain significance. Last evaluated: 2026-04-02. Review status: criteria provided, single submitter. Criteria: DASA Assertion Criteria. Collection method: clinical testing. Allele origin: germline.
Comment: NM_012330.4(KAT6B):c.4879G>A (p.Ala1627Thr) is a missense variant that results in the substitution of alanine with threonine. This variant is rare in population databases. The currently available literature and clinical evidence are not sufficient to establish a definitive association between this variant and the reported condition. Therefore, this variant is classified as a variant of uncertain significance.

Women's Health and Genetics/Laboratory Corporation of America, LabCorp
Classification: Uncertain significance. Last evaluated: 2025-11-12. Review status: criteria provided, single submitter. Criteria: LabCorp Variant Classification Summary - May 2015. Collection method: clinical testing. Allele origin: germline.
Comment: Variant summary: KAT6B c.4879G>A (p.Ala1627Thr) results in a non-conservative amino acid change in the encoded protein sequence. Algorithms developed to predict the effect of missense changes on protein structure and function are either unavailable or do not agree on the potential impact of this missense change. The variant allele was found at a frequency of 2e-05 in 251450 control chromosomes. The available data on variant occurrences in the general population are insufficient to allow any conclusion about variant significance. To our knowledge, no occurrence of c.4879G>A in individuals affected with KAT6B-related conditions and no experimental evidence demonstrating its impact on protein function have been reported. ClinVar contains an entry for this variant (Variation ID: 561748). Based on the evidence outlined above, the variant was classified as uncertain significance.

Labcorp Genetics (formerly Invitae), Labcorp
Classification: Uncertain significance for Genitopatellar syndrome. Last evaluated: 2025-05-27. Review status: criteria provided, single submitter. Criteria: Invitae Variant Classification Sherloc (09022015). Collection method: clinical testing. Allele origin: germline.
Comment: This sequence change replaces alanine, which is neutral and non-polar, with threonine, which is neutral and polar, at codon 1627 of the KAT6B protein (p.Ala1627Thr). This variant is present in population databases (rs199792793, gnomAD 0.006%). This variant has not been reported in the literature in individuals affected with KAT6B-related conditions. ClinVar contains an entry for this variant (Variation ID: 561748). Invitae Evidence Modeling of protein sequence and biophysical properties (such as structural, functional, and spatial information, amino acid conservation, physicochemical variation, residue mobility, and thermodynamic stability) indicates that this missense variant is not expected to disrupt KAT6B protein function with a negative predictive value of 80%. In summary, the available evidence is currently insufficient to determine the role of this variant in disease. Therefore, it has been classified as a Variant of Uncertain Significance.

Fulgent Genetics
Classification: Uncertain significance for Blepharophimosis - intellectual disability syndrome, SBBYS type; Genitopatellar syndrome. Last evaluated: 2022-05-19. Review status: criteria provided, single submitter. Criteria: ACMG Guidelines, 2015. Collection method: clinical testing. Allele origin: unknown.

GeneDx
Classification: Uncertain significance. Last evaluated: 2018-02-26. Review status: criteria provided, single submitter. Criteria: GeneDx Variant Classification (06012015). Collection method: clinical testing. Allele origin: germline. Affected: yes.
Comment: The A1627T variant in the KAT6B gene has not been published as a pathogenic variant, nor has it been reported as a benign variant to our knowledge. This variant is observed in 5/277178 (0.0018%) alleles in the ExAC dataset (Lek et al., 2016).} The A1627T variant is a non-conservative amino acid substitution, which is likely to impact secondary protein structure as these residues differ in polarity, charge, size and/or other properties. In-silico analyses, including protein predictors and evolutionary conservation, support that this variant does not alter protein structure/function. Based on the currently available information, it is unclear whether this variant is a pathogenic variant or a rare benign variant. We consider it to be a variant of uncertain significance.